The following is an entry in ClinVar:

ClinVar aggregate classification (germline): Benign/Likely benign (0 of 4 stars; one submission).

Submission:

ISCA Site 6
Classification: Benign/Likely benign. Review status: no assertion criteria provided. Collection method: clinical testing. Allele origin: unknown. Affected: yes. Observed: 7 variant alleles. Clinical features observed: Developmental delay AND/OR other significant developmental or morphological phenotypes.
Comment: Likely benign (3), Benign (4)

Copy number variation identified through the course of routine clinical cytogenomic testing in postnatal populations, with clinical assertions as classified by the original submitter. For data from the original published study, Kaminsky, et al. 2011 (PubMed 21844811), please see nstd101.

GRCh37/hg19 10p13(chr10:14991045-15014753)x3

Genes: DCLRE1C (DNA cross-link repair 1C; minus strand), MEIG1 (meiosis/spermiogenesis associated 1; plus strand). Cytogenetic location: 10p13.
Variant type: copy number gain.
Change: copy number 3 (three copies instead of two) of chr10:14,991,045-15,014,753 (23.7 kb, GRCh37 coordinates, 1-based), cytogenetic band 10p13.
Identifiers: ClinVar variation 394533 (VCV000394533.3).